The following is an entry in ClinVar:

NM_001199267.2(DGKZ):c.712G>A (p.Val238Met)

Gene: DGKZ (diacylglycerol kinase zeta; plus strand). Cytogenetic location: 11p11.2.
Variant type: single nucleotide variant.
Coding change: c.712G>A on transcript NM_001199267.2 (MANE Select); coding-DNA position 712, G replaced by A.
Protein change: p.Val238Met; replaces valine 238 with methionine.
Molecular consequence: missense variant.
Genome position (GRCh38, 1-based): chr11:46,371,559, G>A. VCF-style: chr11-46371559-G-A. GRCh37 (hg19) VCF-style: chr11-46393109-G-A.
Other names: c.1279G>A, p.Val427Met (NM_001105540.2); c.715G>A, p.Val239Met (NM_001199266.2, NM_003646.4); c.646G>A, p.Val216Met (NM_001199268.2); c.763G>A, p.Val255Met (NM_201532.3); c.727G>A, p.Val243Met (NM_201533.3); c.1279G>A (NM_001105540.1); short protein forms V239M, V243M, V427M, V216M, V238M, V255M.
Identifiers: ClinVar variation 1427163 (VCV001427163.10), dbSNP rs375795823, ClinGen allele CA5962573.
Genomic context (GRCh38, chr11:46,371,559, plus strand): 5'-GTGTCCTGCTTCATGCTGCAGCAGATCGAGGAGCCGTGCTCGCTGGGGGTCCACGCAGCC[G>A]TGGTCATCCCGCCCACCTGGATCCTCCGCGCCCGGAGGCCCCAGGTGAGTACTGCCTGCA-3'
Protein context (NP_001186196.1, residues 228-248): EPCSLGVHAA[Val238Met]VIPPTWILRA

ClinVar aggregate classification (germline): Uncertain significance. Review status: criteria provided, multiple submitters, no conflicts (2 of 4 stars). 2 submissions from 2 submitters: Uncertain significance (2). Last evaluated 2026-01-19.

Allele frequency attached by ClinVar (database versions not stated): TOPMed 0.00004; gnomAD exomes 0.00006 and 0.00008; ESP Exome Variant Server 0.00008; ExAC 0.00011; 1000 Genomes Project 30x 0.00016; 1000 Genomes Project 0.00020; gnomAD 0.00002 and 0.00003.

Submissions (2):

Labcorp Genetics (formerly Invitae), Labcorp
Classification: Uncertain significance. Last evaluated: 2026-01-19. Review status: criteria provided, single submitter. Criteria: Invitae Variant Classification Sherloc (09022015). Collection method: clinical testing. Allele origin: germline.
Comment: This sequence change replaces valine, which is neutral and non-polar, with methionine, which is neutral and non-polar, at codon 427 of the DGKZ protein (p.Val427Met). This variant is present in population databases (rs375795823, gnomAD 0.03%). This variant has not been reported in the literature in individuals affected with DGKZ-related conditions. ClinVar contains an entry for this variant (Variation ID: 1427163). An algorithm developed to predict the effect of missense changes on protein structure and function (PolyPhen-2) suggests that this variant is likely to be disruptive. In summary, the available evidence is currently insufficient to determine the role of this variant in disease. Therefore, it has been classified as a Variant of Uncertain Significance.

Ambry Genetics
Classification: Uncertain significance. Last evaluated: 2025-08-15. Review status: criteria provided, single submitter. Criteria: Ambry Variant Classification Scheme 2023. Collection method: clinical testing. Allele origin: germline.